The following is an entry in ClinVar:

NM_021008.4(DEAF1):c.668G>A (p.Gly223Asp)

Gene: DEAF1 (DEAF1 transcription factor; minus strand). Cytogenetic location: 11p15.5.
Variant type: single nucleotide variant.
Coding change: c.668G>A on transcript NM_021008.4 (MANE Select); coding-DNA position 668, G replaced by A.
Protein change: p.Gly223Asp; replaces glycine 223 with aspartic acid.
Molecular consequence: missense variant. On other transcripts: 5 prime UTR variant (4), intron variant (1).
Genome position (GRCh38, 1-based): chr11:686,994, C>T on the plus strand (G>A on the coding strand, the complement: DEAF1 is on the minus strand). VCF-style: chr11-686994-C-T. GRCh37 (hg19) VCF-style: chr11-686994-C-T.
Other names: c.-59G>A (NM_001367390.1, NM_001440885.1, NM_001440886.1 and 1 more transcripts); c.668G>A, p.Gly223Asp (NM_001440883.1, NM_001440884.1); c.664+917G>A (NM_001293634.2); short protein forms G223D.
Identifiers: ClinVar variation 2841894 (VCV002841894.3), dbSNP rs1407549954, ClinGen allele CA378932972.

ClinVar aggregate classification (germline): Uncertain significance (1 of 4 stars; one submission).

Submission:

Labcorp Genetics (formerly Invitae), Labcorp
Classification: Uncertain significance. Last evaluated: 2023-03-01. Review status: criteria provided, single submitter. Criteria: Invitae Variant Classification Sherloc (09022015). Collection method: clinical testing. Allele origin: germline.
Comment: This sequence change replaces glycine, which is neutral and non-polar, with aspartic acid, which is acidic and polar, at codon 223 of the DEAF1 protein (p.Gly223Asp). This variant is not present in population databases (gnomAD no frequency). In summary, the available evidence is currently insufficient to determine the role of this variant in disease. Therefore, it has been classified as a Variant of Uncertain Significance. Advanced modeling of protein sequence and biophysical properties (such as structural, functional, and spatial information, amino acid conservation, physicochemical variation, residue mobility, and thermodynamic stability) performed at Invitae indicates that this missense variant is expected to disrupt DEAF1 protein function. This variant has not been reported in the literature in individuals affected with DEAF1-related conditions.